The following is an entry in ClinVar:

NM_000035.4(ALDOB):c.235del (p.Leu79fs)

Gene: ALDOB (aldolase, fructose-bisphosphate B; minus strand). Cytogenetic location: 9q31.1.
Variant type: Deletion.
Coding change: c.235del on transcript NM_000035.4 (MANE Select); coding-DNA position 235, one base deleted (C; older notation c.235delC).
Protein change: p.Leu79fs; shifts the reading frame from leucine 79.
Molecular consequence: frameshift variant.
Genome position (GRCh38, 1-based): chr9:101,429,844, G deleted on the plus strand (C on the coding strand, the reverse complement: ALDOB is on the minus strand); the first of 2 consecutive G bases (chr9:101,429,844-101,429,845); deleting either gives the same sequence. VCF-style (leftmost placement, unchanged base first): chr9-101429843-AG-A. GRCh37 (hg19) VCF-style: chr9-104192125-AG-A.
Other names: short protein forms L79fs.
Identifiers: ClinVar variation 2758683 (VCV002758683.3), dbSNP rs2490128772, ClinGen allele CA2697557927.

ClinVar aggregate classification (germline): Pathogenic (1 of 4 stars; one submission).

Conditions:
Hereditary fructosuria. Also called: ALDOB DEFICIENCY; ALDOLASE B DEFICIENCY; FRUCTOSE-1,6-BISPHOSPHATE ALDOLASE B DEFICIENCY; FRUCTOSE-1-PHOSPHATE ALDOLASE DEFICIENCY; FRUCTOSEMIA; Hereditary fructose intolerance. Identifiers: Orphanet 469, MedGen C0016751, MONDO:0009249, OMIM 229600, HP:0005973. Disease mechanism: loss of function.

Submission:

Labcorp Genetics (formerly Invitae), Labcorp
Classification: Pathogenic for Hereditary fructosuria. Last evaluated: 2023-09-06. Review status: criteria provided, single submitter. Criteria: Invitae Variant Classification Sherloc (09022015). Collection method: clinical testing. Allele origin: germline.
Comment: For these reasons, this variant has been classified as Pathogenic. This variant has not been reported in the literature in individuals affected with ALDOB-related conditions. This variant is not present in population databases (gnomAD no frequency). This sequence change creates a premature translational stop signal (p.Leu79Phefs*31) in the ALDOB gene. It is expected to result in an absent or disrupted protein product. Loss-of-function variants in ALDOB are known to be pathogenic (PMID: 18541450).

Literature cited by the submitters: PubMed 18541450.